The following is an entry in ClinVar:

NM_024589.3(ROGDI):c.793C>A (p.Leu265Met)

Gene: ROGDI (rogdi atypical leucine zipper; minus strand). Cytogenetic location: 16p13.3.
Variant type: single nucleotide variant.
Coding change: c.793C>A on transcript NM_024589.3 (MANE Select); coding-DNA position 793, C replaced by A.
Protein change: p.Leu265Met; replaces leucine 265 with methionine.
Molecular consequence: missense variant. On other transcripts: non-coding transcript variant (1).
Genome position (GRCh38, 1-based): chr16:4,797,743, G>T on the plus strand (C>A on the coding strand, the complement: ROGDI is on the minus strand). VCF-style: chr16-4797743-G-T. GRCh37 (hg19) VCF-style: chr16-4847744-G-T.
Other names: c.793C>A (NM_024589.1); short protein forms L265M.
Identifiers: ClinVar variation 1006826 (VCV001006826.10), dbSNP rs746176256, ClinGen allele CA7882481.

ClinVar aggregate classification (germline): Uncertain significance. Review status: criteria provided, multiple submitters, no conflicts (2 of 4 stars). 2 submissions from 2 submitters: Uncertain significance (2). Last evaluated 2023-12-08.

Conditions:
Inborn genetic diseases. Identifiers: MedGen C0950123, MeSH D030342.
Amelocerebrohypohidrotic syndrome (KTZS). Also called: KOHLSCHUTTER SYNDROME; Kohlschutter's syndrome; EPILEPSY AND YELLOW TEETH; EPILEPSY, DEMENTIA, AND AMELOGENESIS IMPERFECTA. Identifiers: Orphanet 1946, MedGen C0406740, MONDO:0009185, OMIM 226750.

Allele frequency attached by ClinVar (database versions not stated): TOPMed 0.00001; ExAC 0.00002.
gnomAD v4.1: 3 of 1,471,402 alleles (0.0002%); highest among the groups gnomAD compares: African/African-American, 0.0057%; no homozygotes.

Submissions (2):

Ambry Genetics
Classification: Uncertain significance for Inborn genetic diseases. Last evaluated: 2023-12-08. Review status: criteria provided, single submitter. Criteria: Ambry Variant Classification Scheme 2023. Collection method: clinical testing. Allele origin: germline.

Labcorp Genetics (formerly Invitae), Labcorp
Classification: Uncertain significance for Amelocerebrohypohidrotic syndrome. Last evaluated: 2020-06-22. Review status: criteria provided, single submitter. Criteria: Invitae Variant Classification Sherloc (09022015). Collection method: clinical testing. Allele origin: germline.
Comment: In summary, the available evidence is currently insufficient to determine the role of this variant in disease. Therefore, it has been classified as a Variant of Uncertain Significance. Algorithms developed to predict the effect of missense changes on protein structure and function are either unavailable or do not agree on the potential impact of this missense change (SIFT: "Tolerated"; PolyPhen-2: "Possibly Damaging"; Align-GVGD: "Class C0"). This variant has not been reported in the literature in individuals with ROGDI-related conditions. This variant is present in population databases (rs746176256, ExAC 0.02%). This sequence change replaces leucine with methionine at codon 265 of the ROGDI protein (p.Leu265Met). The leucine residue is highly conserved and there is a small physicochemical difference between leucine and methionine.